The following is an entry in ClinVar:

ClinVar aggregate classification (germline): Uncertain significance (1 of 4 stars; one submission).

Allele frequency attached by ClinVar (database versions not stated): TOPMed below 0.00001.

Submission:

Labcorp Genetics (formerly Invitae), Labcorp
Classification: Uncertain significance. Last evaluated: 2021-12-03. Review status: criteria provided, single submitter. Criteria: Invitae Variant Classification Sherloc (09022015). Collection method: clinical testing. Allele origin: germline.
Comment: This variant is not present in population databases (gnomAD no frequency). This variant has not been reported in the literature in individuals affected with WHSC1-related conditions. Algorithms developed to predict the effect of missense changes on protein structure and function are either unavailable or do not agree on the potential impact of this missense change (SIFT: "Deleterious"; PolyPhen-2: "Benign"; Align-GVGD: "Class C15"). In summary, the available evidence is currently insufficient to determine the role of this variant in disease. Therefore, it has been classified as a Variant of Uncertain Significance. This sequence change replaces leucine, which is neutral and non-polar, with valine, which is neutral and non-polar, at codon 799 of the WHSC1 protein (p.Leu799Val).

NM_001042424.3(NSD2):c.2395C>G (p.Leu799Val)

Gene: NSD2 (nuclear receptor binding SET domain protein 2; plus strand). Cytogenetic location: 4p16.3.
Variant type: single nucleotide variant.
Coding change: c.2395C>G on transcript NM_001042424.3 (MANE Select); coding-DNA position 2395, C replaced by G.
Protein change: p.Leu799Val; replaces leucine 799 with valine.
Molecular consequence: missense variant.
Genome position (GRCh38, 1-based): chr4:1,955,217, C>G. VCF-style: chr4-1955217-C-G. GRCh37 (hg19) VCF-style: chr4-1956944-C-G.
Other names: c.2395C>G, p.Leu799Val (NM_133330.3, NM_133331.3, NM_133335.4); short protein forms L799V.
Identifiers: ClinVar variation 1680196 (VCV001680196.8), dbSNP rs1724684671, ClinGen allele CA355988425.